The following is an entry in ClinVar:

NC_000016.9:g.(?_1244952)_(1256309_?)dup

Gene: CACNA1H (calcium voltage-gated channel subunit alpha1 H; plus strand). Cytogenetic location: 16p13.3.
Variant type: Duplication.
Identifiers: ClinVar variation 2426666 (VCV002426666.4).

ClinVar aggregate classification (germline): Uncertain significance (1 of 4 stars; one submission).

Conditions:
Hyperaldosteronism, familial, type IV (HALD4). Also called: FH IV; ALDOSTERONISM, PRIMARY, AND HYPERTENSION. Identifiers: Orphanet 642671, MedGen C4310756, MONDO:0014875, OMIM 617027.
Idiopathic generalized epilepsy. Also called: EIG; Generalised epilepsy. Identifiers: MedGen C0270850, MONDO:0005579, OMIM 600669.

Submission:

Labcorp Genetics (formerly Invitae), Labcorp
Classification: Uncertain significance for Idiopathic generalized epilepsy; Hyperaldosteronism, familial, type IV. Last evaluated: 2024-01-08. Review status: criteria provided, single submitter. Criteria: Invitae Variant Classification Sherloc (09022015). Collection method: clinical testing. Allele origin: germline.
Comment: This variant results in a copy number gain of the genomic region encompassing exon(s) 3-12 of the CACNA1H gene. While the exact position of this variant cannot be determined from the data, sub-genic copy number gains are generally in tandem (PMID: 25640679). This variant is predicted to be in-frame, and likely preserves the integrity of the reading frame. This variant has not been reported in the literature in individuals affected with CACNA1H-related conditions. In summary, the available evidence is currently insufficient to determine the role of this variant in disease. Therefore, it has been classified as a Variant of Uncertain Significance.

Literature cited by the submitters: PubMed 25640679.